The following is an entry in ClinVar:

ClinVar aggregate classification (germline): Uncertain significance (1 of 4 stars; one submission).

Conditions:
Familial thoracic aortic aneurysm and aortic dissection (TAAD). Also called: Thoracic aortic aneurysms and dissections. Identifiers: Orphanet 91387, MedGen C4707243, MONDO:0019625.

gnomAD v4.1: 2 of 1,614,034 alleles (0.00012%); highest among the groups gnomAD compares: Non-Finnish European, 0.00017%; no homozygotes.

Submission:

Color Diagnostics, LLC DBA Color Health
Classification: Uncertain significance for Familial thoracic aortic aneurysm and aortic dissection. Last evaluated: 2025-09-29. Review status: criteria provided, single submitter. Criteria: ACMG Guidelines, 2015. Collection method: clinical testing. Allele origin: germline.
Comment: This missense variant replaces methionine with threonine at codon 1924 of the MYH11 protein. Computational prediction is inconclusive regarding the impact of this variant on protein structure and function. To our knowledge, functional studies have not been reported for this variant. This variant has not been reported in individuals affected with MYH11-related disorders in the literature. This variant has been identified in 2/1461754 chromosomes in the general population by the Genome Aggregation Database (gnomAD). The available evidence is insufficient to determine the role of this variant in disease conclusively. Therefore, this variant is classified as a Variant of Uncertain Significance.

NM_002474.3(MYH11):c.5750T>C (p.Met1917Thr)

Genes: MYH11 (myosin heavy chain 11; minus strand), NDE1 (nudE neurodevelopment protein 1; plus strand). Cytogenetic location: 16p13.11.
Variant type: single nucleotide variant.
Coding change: c.5750T>C on transcript NM_002474.3 (MANE Select); coding-DNA position 5750, T replaced by C.
Protein change: p.Met1917Thr; replaces methionine 1917 with threonine.
Molecular consequence: missense variant. On other transcripts: intron variant (2).
Genome position (GRCh38, 1-based): chr16:15,714,945, A>G on the plus strand (T>C on the coding strand, the complement: MYH11 is on the minus strand). VCF-style: chr16-15714945-A-G. GRCh37 (hg19) VCF-style: chr16-15808802-A-G.
Other names: c.5771T>C, p.Met1924Thr (NM_001040113.2, NM_001040114.2); c.5750T>C, p.Met1917Thr (NM_022844.3); c.948-9246A>G (NM_001143979.2, NM_017668.3); short protein forms M1917T, M1924T.
Identifiers: ClinVar variation 4758088 (VCV004758088.1).